The following is an entry in ClinVar:

NM_001080517.3(SETD5):c.2424A>G (p.Leu808=)

Gene: SETD5 (SET domain containing 5; plus strand). Cytogenetic location: 3p25.3.
Variant type: single nucleotide variant.
Coding change: c.2424A>G on transcript NM_001080517.3 (MANE Select); coding-DNA position 2424, A replaced by G.
Protein change: p.Leu808=; no amino-acid change (leucine 808 retained).
Molecular consequence: synonymous variant.
Genome position (GRCh38, 1-based): chr3:9,453,816, A>G. VCF-style: chr3-9453816-A-G. GRCh37 (hg19) VCF-style: chr3-9495500-A-G.
Other names: c.2130A>G, p.Leu710= (NM_001292043.2, NM_001349451.2); c.2520A>G, p.Leu840= (NM_001437633.1); c.2481A>G, p.Leu827= (NM_001437635.1); c.2424A>G, p.Leu808= (NM_001437643.1); c.2463A>G, p.Leu821= (NM_001437701.1).
Identifiers: ClinVar variation 4873695 (VCV004873695.2).

ClinVar aggregate classification (germline): Likely benign (1 of 4 stars; one submission).

gnomAD v4.1: 1 of 1,606,550 alleles (0.000062%); highest among the groups gnomAD compares: Non-Finnish European, 0.000085%; no homozygotes.

Submission:

CeGaT Center for Human Genetics Tuebingen
Classification: Likely benign. Last evaluated: 2026-06-01. Review status: criteria provided, single submitter. Criteria: CeGaT Center For Human Genetics Tuebingen Variant Classification Criteria Version 2. Collection method: clinical testing. Allele origin: germline. Affected: yes. Observed: 1 variant allele.
Comment: SETD5: BP4, BP7